The following is an entry in ClinVar:

NM_133433.4(NIPBL):c.606A>T (p.Gln202His)

Gene: NIPBL (NIPBL cohesin loading factor; plus strand). Cytogenetic location: 5p13.2.
Variant type: single nucleotide variant.
Coding change: c.606A>T on transcript NM_133433.4 (MANE Select); coding-DNA position 606, A replaced by T.
Protein change: p.Gln202His; replaces glutamine 202 with histidine.
Molecular consequence: missense variant.
Genome position (GRCh38, 1-based): chr5:36,962,270, A>T. VCF-style: chr5-36962270-A-T. GRCh37 (hg19) VCF-style: chr5-36962372-A-T.
Other names: c.606A>T, p.Gln202His (NM_015384.5); short protein forms Q202H.
Identifiers: ClinVar variation 1314873 (VCV001314873.3), dbSNP rs1233849776, ClinGen allele CA359476819.

ClinVar aggregate classification (germline): Likely benign (1 of 4 stars; one submission).

gnomAD v4.1: 4 of 1,614,060 alleles (0.00025%); highest among the groups gnomAD compares: South Asian, 0.0033%; 1 homozygote.

Submission:

GeneDx
Classification: Likely benign. Last evaluated: 2024-04-09. Review status: criteria provided, single submitter. Criteria: GeneDx Variant Classification Process June 2021. Collection method: clinical testing. Allele origin: germline. Affected: yes.
Comment: In silico analysis supports that this missense variant does not alter protein structure/function